The following is an entry in ClinVar:

ClinVar aggregate classification (germline): Uncertain significance (1 of 4 stars; one submission).

Conditions:
Inborn genetic diseases. Identifiers: MedGen C0950123, MeSH D030342.

Submission:

Ambry Genetics
Classification: Uncertain significance for Inborn genetic diseases. Last evaluated: 2025-05-31. Review status: criteria provided, single submitter. Criteria: Ambry Variant Classification Scheme 2023. Collection method: clinical testing. Allele origin: germline.
Comment: The p.V801M variant (also known as c.2401G>A), located in coding exon 26 of the FANCA gene, results from a G to A substitution at nucleotide position 2401. The valine at codon 801 is replaced by methionine, an amino acid with highly similar properties. This amino acid position is conserved. In addition, the in silico prediction for this alteration is inconclusive. Based on the available evidence, the clinical significance of this variant remains unclear.

NM_000135.4(FANCA):c.2401G>A (p.Val801Met)

Gene: FANCA (FA complementation group A; minus strand). Cytogenetic location: 16q24.3.
Variant type: single nucleotide variant.
Coding change: c.2401G>A on transcript NM_000135.4 (MANE Select); coding-DNA position 2401, G replaced by A.
Protein change: p.Val801Met; replaces valine 801 with methionine.
Molecular consequence: missense variant.
Genome position (GRCh38, 1-based): chr16:89,769,940, C>T on the plus strand (G>A on the coding strand, the complement: FANCA is on the minus strand). VCF-style: chr16-89769940-C-T. GRCh37 (hg19) VCF-style: chr16-89836348-C-T.
Other names: c.2401G>A, p.Val801Met (NM_001286167.3); short protein forms V801M.
Identifiers: ClinVar variation 4022337 (VCV004022337.1).
Genomic context (GRCh38, chr16:89,769,940, plus strand): 5'-GGCTGTCAAAGAGCGCAGGGACAGGAAGGCCAGCACCAGGTGCAGGAGGACCCACATCCA[C>T]CTCTGGGAGCGCAGACCTGGACTCACCCAGGTGCACGGCCAGGGCAGCCAACCCCAGCAC-3'
Protein context (NP_000126.2, residues 791-811): LGESRSALPE[Val801Met]DVGPPAPGAG